The following is an entry in ClinVar:

ClinVar aggregate classification (germline): Uncertain significance. Review status: criteria provided, multiple submitters, no conflicts (2 of 4 stars). 2 submissions from 2 submitters: Uncertain significance (2). Last evaluated 2024-10-30.

Conditions:
Adenylosuccinate lyase deficiency (ADSLD). Also called: ADSL DEFICIENCY. Identifiers: Orphanet 46, MedGen C0268126, MONDO:0007068, OMIM 103050.

Allele frequency attached by ClinVar (database versions not stated): TOPMed below 0.00001; ExAC 0.00002; gnomAD exomes 0.00002.

Submissions (2):

Blueprint Genetics
Classification: Uncertain significance. Last evaluated: 2024-10-30. Review status: criteria provided, single submitter. Criteria: ACMG Guidelines, 2015. Collection method: clinical testing. Allele origin: germline.

Labcorp Genetics (formerly Invitae), Labcorp
Classification: Uncertain significance for Adenylosuccinate lyase deficiency. Last evaluated: 2022-04-18. Review status: criteria provided, single submitter. Criteria: Invitae Variant Classification Sherloc (09022015). Collection method: clinical testing. Allele origin: germline.
Comment: This sequence change replaces serine, which is neutral and polar, with glycine, which is neutral and non-polar, at codon 257 of the ADSL protein (p.Ser257Gly). This variant is present in population databases (rs775115015, gnomAD 0.004%). This variant has not been reported in the literature in individuals affected with ADSL-related conditions. ClinVar contains an entry for this variant (Variation ID: 459618). Advanced modeling of protein sequence and biophysical properties (such as structural, functional, and spatial information, amino acid conservation, physicochemical variation, residue mobility, and thermodynamic stability) performed at Invitae indicates that this missense variant is not expected to disrupt ADSL protein function. In summary, the available evidence is currently insufficient to determine the role of this variant in disease. Therefore, it has been classified as a Variant of Uncertain Significance.

NM_000026.4(ADSL):c.769A>G (p.Ser257Gly)

Gene: ADSL (adenylosuccinate lyase; plus strand). Cytogenetic location: 22q13.1.
Variant type: single nucleotide variant.
Coding change: c.769A>G on transcript NM_000026.4 (MANE Select); coding-DNA position 769, A replaced by G.
Protein change: p.Ser257Gly; replaces serine 257 with glycine.
Molecular consequence: missense variant. On other transcripts: non-coding transcript variant (1).
Genome position (GRCh38, 1-based): chr22:40,360,469, A>G. VCF-style: chr22-40360469-A-G. GRCh37 (hg19) VCF-style: chr22-40756473-A-G.
Other names: c.769A>G, p.Ser257Gly (NM_001123378.3, NM_001363840.3); c.577A>G, p.Ser193Gly (NM_001317923.2); short protein forms S257G, S193G.
Identifiers: ClinVar variation 459618 (VCV000459618.7), dbSNP rs775115015, ClinGen allele CA10247806.